The following is an entry in ClinVar:

ClinVar aggregate classification (germline): Likely benign (1 of 4 stars; one submission).

Allele frequency attached by ClinVar (database versions not stated): gnomAD 0.00013; gnomAD exomes 0.00013; ExAC 0.00014; TOPMed 0.00015; 1000 Genomes Project 30x 0.00021.

Submission:

CeGaT Center for Human Genetics Tuebingen
Classification: Likely benign. Last evaluated: 2022-12-01. Review status: criteria provided, single submitter. Criteria: CeGaT Center For Human Genetics Tuebingen Variant Classification Criteria Version 2. Collection method: clinical testing. Allele origin: germline. Affected: yes. Observed: 1 variant allele.
Comment: IRS4: BP4, BP7, BS2

NM_001379150.1(IRS4):c.3624T>G (p.Ala1208=)

Gene: IRS4 (insulin receptor substrate 4; minus strand). Cytogenetic location: Xq22.3.
Variant type: single nucleotide variant.
Coding change: c.3624T>G on transcript NM_001379150.1 (MANE Select); coding-DNA position 3624, T replaced by G.
Protein change: p.Ala1208=; no amino-acid change (alanine 1208 retained).
Molecular consequence: synonymous variant.
Genome position (GRCh38, 1-based): chrX:108,732,721, A>C on the plus strand (T>G on the coding strand, the complement: IRS4 is on the minus strand). VCF-style: chrX-108732721-A-C. GRCh37 (hg19) VCF-style: chrX-107975951-A-C.
Other names: c.3624T>G, p.Ala1208= (NM_003604.2).
Identifiers: ClinVar variation 2661171 (VCV002661171.24), dbSNP rs768200267, ClinGen allele CA10489499.
Genomic context (GRCh38, chrX:108,732,721, plus strand): 5'-TCTCTCCGGGGGTCTTGGCACCCGGCGACTGCGAGGTGGTGGTTCCGGAGCGGCAGCTGC[A>C]GCGGCAGCCCCGCCAGCCTGGTTATCACCTCTGGCAAGGTTTGCAGATGGGTTGTGGGCT-3'
Protein context (NP_001366079.1, residues 1198-1218): RGDNQAGGAA[Ala1208=]AAAAPEPPPR